The following is an entry in ClinVar:

NM_006648.4(WNK2):c.2314C>T (p.Pro772Ser)

Gene: WNK2 (WNK lysine deficient protein kinase 2; plus strand). Cytogenetic location: 9q22.31.
Variant type: single nucleotide variant.
Coding change: c.2314C>T on transcript NM_006648.4 (MANE Select); coding-DNA position 2314, C replaced by T.
Protein change: p.Pro772Ser; replaces proline 772 with serine.
Molecular consequence: missense variant.
Genome position (GRCh38, 1-based): chr9:93,257,071, C>T. VCF-style: chr9-93257071-C-T. GRCh37 (hg19) VCF-style: chr9-96019353-C-T.
Other names: c.2314C>T, p.Pro772Ser (NM_001282394.3); short protein forms P772S.
Identifiers: ClinVar variation 3816725 (VCV003816725.1).

ClinVar aggregate classification (germline): Uncertain significance (1 of 4 stars; one submission).

gnomAD v4.1: 7 of 1,607,438 alleles (0.00044%); highest among the groups gnomAD compares: Non-Finnish European, 0.00059%; no homozygotes.

Submission:

Ambry Genetics
Classification: Uncertain significance. Last evaluated: 2025-01-05. Review status: criteria provided, single submitter. Criteria: Ambry Variant Classification Scheme 2023. Collection method: clinical testing. Allele origin: germline.
Comment: The p.P772S variant (also known as c.2314C>T), located in coding exon 10 of the WNK2 gene, results from a C to T substitution at nucleotide position 2314. The proline at codon 772 is replaced by serine, an amino acid with similar properties. This amino acid position is conserved. In addition, this alteration is predicted to be tolerated by in silico analysis. Based on the available evidence, the clinical significance of this variant remains unclear.